The following is an entry in ClinVar:

NM_000089.4(COL1A2):c.2026-276T>G

Gene: COL1A2 (collagen type I alpha 2 chain; plus strand). Cytogenetic location: 7q21.3.
Variant type: single nucleotide variant.
Coding change: c.2026-276T>G on transcript NM_000089.4 (MANE Select); 276 bases into the intron before coding-DNA position 2026, T replaced by G.
Molecular consequence: intron variant.
Genome position (GRCh38, 1-based): chr7:94,419,222, T>G. VCF-style: chr7-94419222-T-G. GRCh37 (hg19) VCF-style: chr7-94048534-T-G.
Identifiers: ClinVar variation 683337 (VCV000683337.1), dbSNP rs10234951, ClinGen allele CA12475843.

ClinVar aggregate classification (germline): Benign (1 of 4 stars; one submission).

Allele frequency attached by ClinVar (database versions not stated): 1000 Genomes Project 0.05292; 1000 Genomes Project 30x 0.05653; gnomAD 0.08224 and 0.08464; TOPMed 0.08397.
gnomAD v4.1: 12,493 of 151,394 alleles (8.3%); highest among the groups gnomAD compares: Middle Eastern, 14%; 631 homozygotes.

Submission:

GeneDx
Classification: Benign. Last evaluated: 2018-06-19. Review status: criteria provided, single submitter. Criteria: GeneDx Variant Classification (06012015). Collection method: clinical testing. Allele origin: germline. Affected: yes.
Comment: This variant is considered likely benign or benign based on one or more of the following criteria: it is a conservative change, it occurs at a poorly conserved position in the protein, it is predicted to be benign by multiple in silico algorithms, and/or has population frequency not consistent with disease.